The following is an entry in ClinVar:

ClinVar aggregate classification (germline): Likely pathogenic (1 of 4 stars; one submission).

Conditions:
Kennedy disease (SMAX1). Also called: SPINAL AND BULBAR MUSCULAR ATROPHY, X-LINKED 1; KENNEDY SPINAL AND BULBAR MUSCULAR ATROPHY; Spinal and Bulbar Muscular Atrophy. Identifiers: Orphanet 481, MedGen C1839259, MONDO:0010735, OMIM 313200.
Androgen resistance syndrome (AIS). Also called: DHTR DEFICIENCY; DIHYDROTESTOSTERONE RECEPTOR DEFICIENCY; ANDROGEN RECEPTOR DEFICIENCY; TESTICULAR FEMINIZATION SYNDROME; Androgen insensitivity syndrome; Androgen insensitivity. Identifiers: Orphanet 754, Orphanet 99429, MedGen C0039585, MONDO:0019154, OMIM 300068. Disease mechanism: loss of function.

Submission:

Labcorp Genetics (formerly Invitae), Labcorp
Classification: Likely pathogenic for Kennedy disease; Androgen resistance syndrome. Last evaluated: 2023-01-19. Review status: criteria provided, single submitter. Criteria: Invitae Variant Classification Sherloc (09022015). Collection method: clinical testing. Allele origin: germline.
Comment: In summary, the currently available evidence indicates that the variant is pathogenic, but additional data are needed to prove that conclusively. Therefore, this variant has been classified as Likely Pathogenic. Advanced modeling of protein sequence and biophysical properties (such as structural, functional, and spatial information, amino acid conservation, physicochemical variation, residue mobility, and thermodynamic stability) has been performed at Invitae for this missense variant, however the output from this modeling did not meet the statistical confidence thresholds required to predict the impact of this variant on AR protein function. This variant is also known as L744F or L735F. This missense change has been observed in individual(s) with complete androgen insensitivity syndrome (PMID: 11549642, 20150575; Invitae). This variant is not present in population databases (gnomAD no frequency). This sequence change replaces leucine, which is neutral and non-polar, with phenylalanine, which is neutral and non-polar, at codon 745 of the AR protein (p.Leu745Phe).

Literature cited by the submitters: PubMed 11549642; PubMed 20150575.

NM_000044.6(AR):c.2233C>T (p.Leu745Phe)

Gene: AR (androgen receptor; plus strand). Cytogenetic location: Xq12.
Variant type: single nucleotide variant.
Coding change: c.2233C>T on transcript NM_000044.6 (MANE Select); coding-DNA position 2233, C replaced by T.
Protein change: p.Leu745Phe; replaces leucine 745 with phenylalanine.
Molecular consequence: missense variant.
Genome position (GRCh38, 1-based): chrX:67,717,537, C>T. VCF-style: chrX-67717537-C-T. GRCh37 (hg19) VCF-style: chrX-66937379-C-T.
Other names: c.637C>T, p.Leu213Phe (NM_001011645.3); c.2236C>T, p.Leu746Phe (NM_001424175.1); short protein forms L213F, L745F, L746F.
Identifiers: ClinVar variation 2925679 (VCV002925679.3), dbSNP rs2147530836, ClinGen allele CA413424561.